The following is an entry in ClinVar:

NM_000404.4(GLB1):c.552+2T>C

Gene: GLB1 (galactosidase beta 1; minus strand). Cytogenetic location: 3p22.3.
Variant type: single nucleotide variant.
Coding change: c.552+2T>C on transcript NM_000404.4 (MANE Select); the canonical splice donor site of the intron after coding-DNA position 552, T replaced by C.
Molecular consequence: splice donor variant.
Genome position (GRCh38, 1-based): chr3:33,065,461, A>G on the plus strand (T>C on the coding strand, the complement: GLB1 is on the minus strand). VCF-style: chr3-33065461-A-G. GRCh37 (hg19) VCF-style: chr3-33106953-A-G.
Other names: c.552+2T>C (NM_001393580.1); c.340+2T>C (NM_001135602.3); c.696+2T>C (NM_001317040.2); c.462+2T>C (NM_001079811.3).
Identifiers: ClinVar variation 553673 (VCV000553673.7), dbSNP rs1553611778, ClinGen allele CA351991628.

ClinVar aggregate classification (germline): Likely pathogenic. Review status: criteria provided, single submitter (1 of 4 stars). 2 submissions from 2 submitters: Likely pathogenic (1). 1 of the submissions does not count toward it. Last evaluated 2022-07-22.

Conditions:
GM1 gangliosidosis type 3. Also called: GANGLIOSIDOSIS, GENERALIZED GM1, ADULT TYPE; GANGLIOSIDOSIS, GENERALIZED GM1, CHRONIC TYPE; GANGLIOSIDOSIS, GENERALIZED GM1, TYPE III; GM1-GANGLIOSIDOSIS, TYPE III; Beta-galactosidase deficiency; Adult GM1 gangliosidosis. Identifiers: Orphanet 79257, MedGen C0268273, MONDO:0009262, OMIM 230650.
GM1 gangliosidosis type 2. Also called: GANGLIOSIDOSIS, GENERALIZED GM1, JUVENILE TYPE; GANGLIOSIDOSIS, GENERALIZED GM1, TYPE II; GM1-GANGLIOSIDOSIS, TYPE II; Juvenile GM>1< gangliosidosis; Gangliosidosis, Generalized GM1, Type 2. Identifiers: Orphanet 354, Orphanet 79256, MedGen C0268272, MONDO:0009261, OMIM 230600.
Infantile GM1 gangliosidosis. Also called: GM1 gangliosidosis type 1; GM1-gangliosidosis, type I; Gangliosidosis, generalized GM1, infantile form; GLB1 deficiency; Gangliosidosis, Generalized GM1, Type 1. Identifiers: Orphanet 354, Orphanet 79255, MedGen C0268271, MONDO:0009260, OMIM 230500.
Mucopolysaccharidosis, MPS-IV-B (MPS4B). Also called: Mucopolysaccharidosis type 4B; Mucopolysaccharidosis Type IVB (Morquio B Disease); MORQUIO SYNDROME B; Mucopolysaccharidosis type IVB (Morquio); MPS IVB; Mucopolysaccharidosis type IV B. Identifiers: Orphanet 309310, Orphanet 582, MedGen C0086652, MONDO:0009660, OMIM 253010.
GM1 gangliosidosis. Identifiers: Orphanet 354, MedGen C0085131, MONDO:0018149.

Submissions (2):

Labcorp Genetics (formerly Invitae), Labcorp
Classification: Likely pathogenic for Mucopolysaccharidosis, MPS-IV-B; GM1 gangliosidosis. Last evaluated: 2022-07-22. Review status: criteria provided, single submitter. Criteria: Invitae Variant Classification Sherloc (09022015). Collection method: clinical testing. Allele origin: germline.
Comment: This sequence change affects a donor splice site in intron 5 of the GLB1 gene. It is expected to disrupt RNA splicing. Variants that disrupt the donor or acceptor splice site typically lead to a loss of protein function (PMID: 16199547), and loss-of-function variants in GLB1 are known to be pathogenic (PMID: 18524657). In summary, the currently available evidence indicates that the variant is pathogenic, but additional data are needed to prove that conclusively. Therefore, this variant has been classified as Likely Pathogenic. Algorithms developed to predict the effect of sequence changes on RNA splicing suggest that this variant may disrupt the consensus splice site. ClinVar contains an entry for this variant (Variation ID: 553673). This variant has not been reported in the literature in individuals affected with GLB1-related conditions. This variant is not present in population databases (gnomAD no frequency).

Counsyl
Classification: Likely pathogenic for Infantile GM1 gangliosidosis; GM1 gangliosidosis type 2; GM1 gangliosidosis type 3; Mucopolysaccharidosis, MPS-IV-B. Last evaluated: 2017-09-12. Review status: no assertion criteria provided. Collection method: clinical testing. Allele origin: unknown. Not counted in ClinVar's aggregate classification.

Literature cited by the submitters: PubMed 16199547 (cited by Labcorp Genetics (formerly Invitae), Labcorp); PubMed 18524657 (cited by Labcorp Genetics (formerly Invitae), Labcorp).